The following is an entry in ClinVar:

NM_173500.4(TTBK2):c.2216A>G (p.His739Arg)

Gene: TTBK2 (tau tubulin kinase 2; minus strand). Cytogenetic location: 15q15.2.
Variant type: single nucleotide variant.
Coding change: c.2216A>G on transcript NM_173500.4 (MANE Select); coding-DNA position 2216, A replaced by G.
Protein change: p.His739Arg; replaces histidine 739 with arginine.
Molecular consequence: missense variant.
Genome position (GRCh38, 1-based): chr15:42,753,030, T>C on the plus strand (A>G on the coding strand, the complement: TTBK2 is on the minus strand). VCF-style: chr15-42753030-T-C. GRCh37 (hg19) VCF-style: chr15-43045228-T-C.
Other names: short protein forms H739R.
Identifiers: ClinVar variation 2176764 (VCV002176764.6), dbSNP rs183390147, ClinGen allele CA7516765.
Genomic context (GRCh38, chr15:42,753,030, plus strand): 5'-AGTTCTTTTGGTCCCAGGTCTTGAGATTTGTTACTTTCTCTAATGTTGGGTAACATGTCA[T>C]GACCAATGTGATCTATCTGAAGCCCCAAATCTGTTCTGCTTCCTCCACTAGGAGGTTCAC-3'
Protein context (NP_775771.3, residues 729-749): DLGLQIDHIG[His739Arg]DMLPNIRESN

ClinVar aggregate classification (germline): Uncertain significance. Review status: criteria provided, multiple submitters, no conflicts (2 of 4 stars). 3 submissions from 3 submitters: Uncertain significance (3). Last evaluated 2024-12-26.

Conditions:
Inborn genetic diseases. Identifiers: MedGen C0950123, MeSH D030342.

Allele frequency attached by ClinVar (database versions not stated): gnomAD exomes 0.00001; ExAC 0.00002; gnomAD 0.00011; TOPMed 0.00012; 1000 Genomes Project 30x 0.00016; ESP Exome Variant Server 0.00017; 1000 Genomes Project 0.00020.
gnomAD v4.1: 25 of 1,614,076 alleles (0.0015%); highest among the groups gnomAD compares: African/African-American, 0.031%; no homozygotes.

Submissions (3):

Women's Health and Genetics/Laboratory Corporation of America, LabCorp
Classification: Uncertain significance. Last evaluated: 2024-12-26. Review status: criteria provided, single submitter. Criteria: LabCorp Variant Classification Summary - May 2015. Collection method: clinical testing. Allele origin: germline.
Comment: Variant summary: TTBK2 c.2216A>G (p.His739Arg) results in a non-conservative amino acid change in the encoded protein sequence. Four of five in-silico tools predict a benign effect of the variant on protein function. The variant allele was found at a frequency of 2e-05 in 249396 control chromosomes. The available data on variant occurrences in the general population are insufficient to allow any conclusion about variant significance. To our knowledge, no occurrence of c.2216A>G in individuals affected with Spinocerebellar Ataxia Type 11 and no experimental evidence demonstrating its impact on protein function have been reported. ClinVar contains an entry for this variant (Variation ID: 2176764). Based on the evidence outlined above, the variant was classified as uncertain significance.

Labcorp Genetics (formerly Invitae), Labcorp
Classification: Uncertain significance. Last evaluated: 2024-12-16. Review status: criteria provided, single submitter. Criteria: Invitae Variant Classification Sherloc (09022015). Collection method: clinical testing. Allele origin: germline.
Comment: This sequence change replaces histidine, which is basic and polar, with arginine, which is basic and polar, at codon 739 of the TTBK2 protein (p.His739Arg). This variant is present in population databases (rs183390147, gnomAD 0.04%). This variant has not been reported in the literature in individuals affected with TTBK2-related conditions. ClinVar contains an entry for this variant (Variation ID: 2176764). Invitae Evidence Modeling of protein sequence and biophysical properties (such as structural, functional, and spatial information, amino acid conservation, physicochemical variation, residue mobility, and thermodynamic stability) indicates that this missense variant is not expected to disrupt TTBK2 protein function with a negative predictive value of 80%. In summary, the available evidence is currently insufficient to determine the role of this variant in disease. Therefore, it has been classified as a Variant of Uncertain Significance.

Ambry Genetics
Classification: Uncertain significance for Inborn genetic diseases. Last evaluated: 2024-01-23. Review status: criteria provided, single submitter. Criteria: Ambry Variant Classification Scheme 2023. Collection method: clinical testing. Allele origin: germline.